The following is an entry in ClinVar:

NM_006343.3(MERTK):c.2069C>T (p.Thr690Ile)

Gene: MERTK (MER proto-oncogene, tyrosine kinase; plus strand). Cytogenetic location: 2q13.
Variant type: single nucleotide variant.
Coding change: c.2069C>T on transcript NM_006343.3 (MANE Select); coding-DNA position 2069, C replaced by T.
Protein change: p.Thr690Ile; replaces threonine 690 with isoleucine.
Molecular consequence: missense variant.
Genome position (GRCh38, 1-based): chr2:112,010,056, C>T. VCF-style: chr2-112010056-C-T. GRCh37 (hg19) VCF-style: chr2-112767633-C-T.
Other names: short protein forms T690I.
Identifiers: ClinVar variation 497907 (VCV000497907.17), dbSNP rs139822416, ClinGen allele CA1831656.

ClinVar aggregate classification (germline): Conflicting classifications of pathogenicity. Review status: criteria provided, conflicting classifications (1 of 4 stars). 7 submissions from 6 submitters: Uncertain significance (4); Likely benign (1). 2 of the submissions do not count toward it. Last evaluated 2025-06-07.

Conditions:
Optic atrophy. Identifiers: MedGen C0029124, MONDO:0003608, HP:0000648.
Retinal dystrophy. Also called: Inherited retinal dystrophy. Identifiers: Orphanet 71862, MedGen C0854723, MeSH D058499, MONDO:0019118, HP:0000556.
Retinitis pigmentosa (RP). Identifiers: Orphanet 791, MedGen C0035334, MeSH D012174, MONDO:0019200, OMIM 268000. Inheritance: Autosomal dominant, autosomal recessive and X linked inheritance.

Allele frequency attached by ClinVar (database versions not stated): gnomAD exomes 0.00011; ExAC 0.00012; gnomAD 0.00012 and 0.00013; ESP Exome Variant Server 0.00015; TOPMed 0.00015.
gnomAD v4.1: 176 of 1,605,704 alleles (0.011%); highest among the groups gnomAD compares: Middle Eastern, 0.016%; 1 homozygote.

Submissions (7):

Dasa
Classification: Uncertain significance. Last evaluated: 2025-06-07. Review status: criteria provided, single submitter. Criteria: DASA Assertion Criteria. Collection method: clinical testing. Allele origin: germline.
Comment: NM_006343.3(MERTK):c.2069C>T (p.Thr690Ile) is a missense variant that results in the substitution of threonine with isoleucine. This variant is rare in population databases. Computational prediction algorithms are consistent with a benign effect. The currently available literature and clinical evidence are not sufficient to establish a definitive association between this variant and the reported condition. Therefore, this variant is classified as a variant of uncertain significance.

Blueprint Genetics
Classification: Likely benign. Last evaluated: 2024-10-17. Review status: criteria provided, single submitter. Criteria: ACMG Guidelines, 2015. Collection method: clinical testing. Allele origin: germline.

Labcorp Genetics (formerly Invitae), Labcorp
Classification: Uncertain significance. Last evaluated: 2022-10-05. Review status: criteria provided, single submitter. Criteria: Invitae Variant Classification Sherloc (09022015). Collection method: clinical testing. Allele origin: germline.
Comment: This sequence change replaces threonine, which is neutral and polar, with isoleucine, which is neutral and non-polar, at codon 690 of the MERTK protein (p.Thr690Ile). This variant is present in population databases (rs139822416, gnomAD 0.02%). This variant has not been reported in the literature in individuals affected with MERTK-related conditions. ClinVar contains an entry for this variant (Variation ID: 497907). Advanced modeling of protein sequence and biophysical properties (such as structural, functional, and spatial information, amino acid conservation, physicochemical variation, residue mobility, and thermodynamic stability) performed at Invitae indicates that this missense variant is not expected to disrupt MERTK protein function. In summary, the available evidence is currently insufficient to determine the role of this variant in disease. Therefore, it has been classified as a Variant of Uncertain Significance.

Illumina Laboratory Services, Illumina
Classification: Uncertain significance for Retinitis pigmentosa. Last evaluated: 2018-03-05. Review status: criteria provided, single submitter. Criteria: ICSL Variant Classification Criteria 13 December 2019. Collection method: clinical testing. Allele origin: germline.
Comment: This variant was observed as part of a predisposition screen in an ostensibly healthy population. A literature search was performed for the gene, cDNA change, and amino acid change (where applicable). Publications were found based on this search. However, the evidence from the literature, in combination with allele frequency data from public databases where available, was not sufficient to rule this variant in or out of causing disease. Therefore, this variant is classified as a variant of unknown significance.

Eurofins Ntd Llc (ga)
Classification: Uncertain significance. Last evaluated: 2016-11-15. Review status: criteria provided, single submitter. Criteria: EGL Classification Definitions 2015. Collection method: clinical testing. Allele origin: germline. Observed: 1 variant allele, 1 heterozygote.

Institute of Human Genetics, Univ. Regensburg, Univ. Regensburg
Classification: Uncertain significance for Optic atrophy. Last evaluated: 2023-01-01. Review status: no assertion criteria provided. Criteria: ACMG Guidelines, 2015. Collection method: clinical testing. Allele origin: germline. Affected: yes. Not counted in ClinVar's aggregate classification.

Institute of Human Genetics, Univ. Regensburg, Univ. Regensburg
Classification: Uncertain significance for Retinal dystrophy. Last evaluated: 2023-01-01. Review status: no assertion criteria provided. Criteria: ACMG Guidelines, 2015. Collection method: clinical testing. Allele origin: germline. Affected: yes. Not counted in ClinVar's aggregate classification.

Literature cited by the submitters: PubMed 22939401 (cited by Illumina Laboratory Services, Illumina).